The following is an entry in ClinVar:

ClinVar aggregate classification (germline): Uncertain significance (1 of 4 stars; one submission).

Allele frequency attached by ClinVar (database versions not stated): gnomAD exomes below 0.00001; ExAC 0.00001; gnomAD 0.00001; TOPMed 0.00001.
gnomAD v4.1: 3 of 1,613,892 alleles (0.00019%); highest among the groups gnomAD compares: African/African-American, 0.004%; no homozygotes.

Submission:

Labcorp Genetics (formerly Invitae), Labcorp
Classification: Uncertain significance. Last evaluated: 2022-02-19. Review status: criteria provided, single submitter. Criteria: Invitae Variant Classification Sherloc (09022015). Collection method: clinical testing. Allele origin: germline.
Comment: In summary, the available evidence is currently insufficient to determine the role of this variant in disease. Therefore, it has been classified as a Variant of Uncertain Significance. Algorithms developed to predict the effect of missense changes on protein structure and function (SIFT, PolyPhen-2, Align-GVGD) all suggest that this variant is likely to be tolerated. ClinVar contains an entry for this variant (Variation ID: 1013902). This variant has not been reported in the literature in individuals affected with FAM161A-related conditions. This variant is present in population databases (rs771856263, gnomAD 0.007%). This sequence change replaces lysine, which is basic and polar, with glutamic acid, which is acidic and polar, at codon 650 of the FAM161A protein (p.Lys650Glu).

NM_001201543.2(FAM161A):c.1948A>G (p.Lys650Glu)

Gene: FAM161A (FAM161 centrosomal protein A; minus strand). Cytogenetic location: 2p15.
Variant type: single nucleotide variant.
Coding change: c.1948A>G on transcript NM_001201543.2 (MANE Select); coding-DNA position 1948, A replaced by G.
Protein change: p.Lys650Glu; replaces lysine 650 with glutamic acid.
Molecular consequence: missense variant. On other transcripts: non-coding transcript variant (1).
Genome position (GRCh38, 1-based): chr2:61,827,162, T>C on the plus strand (A>G on the coding strand, the complement: FAM161A is on the minus strand). VCF-style: chr2-61827162-T-C. GRCh37 (hg19) VCF-style: chr2-62054297-T-C.
Other names: c.1780A>G, p.Lys594Glu (NM_032180.3); short protein forms K594E, K650E.
Identifiers: ClinVar variation 1013902 (VCV001013902.10), dbSNP rs771856263, ClinGen allele CA1678989.